The following is an entry in ClinVar:

NM_138694.4(PKHD1):c.6332+1dup

Gene: PKHD1 (PKHD1 ciliary IPT domain containing fibrocystin/polyductin; minus strand). Cytogenetic location: 6p12.2.
Variant type: Duplication.
Coding change: c.6332+1dup on transcript NM_138694.4 (MANE Select); the canonical splice donor site of the intron after coding-DNA position 6332, one base duplicated (G; older notation c.6332+1dupG).
Molecular consequence: splice donor variant.
Genome position (GRCh38, 1-based): chr6:51,912,365, C duplicated on the plus strand (G on the coding strand, the reverse complement: PKHD1 is on the minus strand); the first of 2 consecutive C bases (chr6:51,912,365-51,912,366); duplicating either gives the same sequence. VCF-style (leftmost placement, unchanged base first): chr6-51912364-A-AC. GRCh37 (hg19) VCF-style: chr6-51777162-A-AC.
Other names: c.6332+1dup (NM_170724.3).
Identifiers: ClinVar variation 4816715 (VCV004816715.1).

ClinVar aggregate classification (germline): Likely pathogenic (1 of 4 stars; one submission).

Conditions:
Autosomal recessive polycystic kidney disease (ARPKD). Also called: AR polycystic kidney disease. Identifiers: Orphanet 731, Orphanet 8378, MedGen C0085548, MeSH D017044, MONDO:0009889.

Submission:

Natera, Inc.
Classification: Likely pathogenic for Autosomal recessive polycystic kidney disease. Last evaluated: 2024-03-11. Review status: criteria provided, single submitter. Criteria: Natera Variant Classification Schema (03/2026). Collection method: clinical testing. Allele origin: germline.
Comment: The c.6332+1dupG variant in PKHD1 is a canonical splice donor site variant predicted to affect pre-mRNA splicing, which may result in an abnormal transcript and altered protein product. This variant is expected to result in nonsense mediated decay, truncation, or a dysfunctional protein product. This variant is rare in the general population with a frequency below the threshold expected for the associated phenotype(s). Given the available evidence, this variant is classified as Likely Pathogenic.